The following is an entry in ClinVar:

NM_015352.2(POFUT1):c.825G>A (p.Ala275=)

Gene: POFUT1 (protein O-fucosyltransferase 1; plus strand). Cytogenetic location: 20q11.21.
Variant type: single nucleotide variant.
Coding change: c.825G>A on transcript NM_015352.2 (MANE Select); coding-DNA position 825, G replaced by A.
Protein change: p.Ala275=; no amino-acid change (alanine 275 retained).
Molecular consequence: synonymous variant.
Genome position (GRCh38, 1-based): chr20:32,230,908, G>A. VCF-style: chr20-32230908-G-A. GRCh37 (hg19) VCF-style: chr20-30818711-G-A.
Identifiers: ClinVar variation 3046765 (VCV003046765.4), dbSNP rs765364279, ClinGen allele CA9807406.

ClinVar aggregate classification (germline): Likely benign. Review status: criteria provided, single submitter (1 of 4 stars). 2 submissions from 2 submitters: Likely benign (1). 1 of the submissions does not count toward it. Last evaluated 2024-04-02.

Conditions:
POFUT1-related disorder. Also called: POFUT1-related condition.
Dowling-Degos disease 2 (DDD2). Identifiers: Orphanet 79145, MedGen C3809147, MONDO:0014130, OMIM 615327.

Allele frequency attached by ClinVar (database versions not stated): gnomAD exomes 0.00001; TOPMed 0.00002; gnomAD 0.00003; ExAC 0.00004.
gnomAD v4.1: 24 of 1,614,064 alleles (0.0015%); highest among the groups gnomAD compares: Middle Eastern, 0.066%; no homozygotes.

Submissions (2):

Labcorp Genetics (formerly Invitae), Labcorp
Classification: Likely benign for Dowling-Degos disease 2. Last evaluated: 2024-04-02. Review status: criteria provided, single submitter. Criteria: Invitae Variant Classification Sherloc (09022015). Collection method: clinical testing. Allele origin: germline.

PreventionGenetics, part of Exact Sciences
Classification: Likely benign for POFUT1-related condition. Last evaluated: 2019-02-21. Review status: no assertion criteria provided. Collection method: clinical testing. Allele origin: germline. Not counted in ClinVar's aggregate classification.
Comment: This variant is classified as likely benign based on ACMG/AMP sequence variant interpretation guidelines (Richards et al. 2015 PMID: 25741868, with internal and published modifications).